The following is an entry in ClinVar:

NM_023068.4(SIGLEC1):c.4468G>A (p.Ala1490Thr)

Gene: SIGLEC1 (sialic acid binding Ig like lectin 1; minus strand). Cytogenetic location: 20p13.
Variant type: single nucleotide variant.
Coding change: c.4468G>A on transcript NM_023068.4 (MANE Select); coding-DNA position 4468, G replaced by A.
Protein change: p.Ala1490Thr; replaces alanine 1490 with threonine.
Molecular consequence: missense variant.
Genome position (GRCh38, 1-based): chr20:3,691,463, C>T on the plus strand (G>A on the coding strand, the complement: SIGLEC1 is on the minus strand). VCF-style: chr20-3691463-C-T. GRCh37 (hg19) VCF-style: chr20-3672110-C-T.
Other names: c.4468G>A, p.Ala1490Thr (NM_001367089.1); short protein forms A1490T.
Identifiers: ClinVar variation 2652177 (VCV002652177.24), dbSNP rs138521367, ClinGen allele CA9746144.
Genomic context (GRCh38, chr20:3,691,463, plus strand): 5'-GGTACATCCCAGCTTGAGCACGAGCCACGTGGGTGAAGGCGAGAGTGGGCACAGGCTCCG[C>T]GTGCAGCCGCCGGTCATTCCAGAACCATGCAAAGGTGGAGTTGCCCACAGGCCCAGGGCC-3'
Protein context (NP_075556.1, residues 1480-1500): AWFWNDRRLH[Ala1490Thr]EPVPTLAFTH

ClinVar aggregate classification (germline): Likely benign (1 of 4 stars; one submission).

Allele frequency attached by ClinVar (database versions not stated): ExAC 0.00003; gnomAD exomes 0.00003; ESP Exome Variant Server 0.00008; 1000 Genomes Project 0.00020; gnomAD 0.00025; 1000 Genomes Project 30x 0.00031; TOPMed 0.00036.

Submission:

CeGaT Center for Human Genetics Tuebingen
Classification: Likely benign. Last evaluated: 2023-03-01. Review status: criteria provided, single submitter. Criteria: CeGaT Center For Human Genetics Tuebingen Variant Classification Criteria Version 2. Collection method: clinical testing. Allele origin: germline. Affected: yes. Observed: 1 variant allele.
Comment: SIGLEC1: BP4